The following is an entry in ClinVar:

ClinVar aggregate classification (germline): Uncertain significance. Review status: criteria provided, multiple submitters, no conflicts (2 of 4 stars). 2 submissions from 2 submitters: Uncertain significance (2). Last evaluated 2025-10-14.

Conditions:
Familial cold autoinflammatory syndrome 2 (FCAS2). Identifiers: Orphanet 247868, MedGen C2673198, MONDO:0012724, OMIM 611762.
Inborn genetic diseases. Identifiers: MedGen C0950123, MeSH D030342.

Allele frequency attached by ClinVar (database versions not stated): TOPMed 0.00002; gnomAD exomes 0.00003; ExAC 0.00005.
gnomAD v4.1: 132 of 1,613,654 alleles (0.0082%); highest among the groups gnomAD compares: Non-Finnish European, 0.011%; no homozygotes.

Submissions (2):

Labcorp Genetics (formerly Invitae), Labcorp
Classification: Uncertain significance for Familial cold autoinflammatory syndrome 2. Last evaluated: 2025-10-14. Review status: criteria provided, single submitter. Criteria: Invitae Variant Classification Sherloc (09022015). Collection method: clinical testing. Allele origin: germline.
Comment: This sequence change replaces glycine, which is neutral and non-polar, with tryptophan, which is neutral and slightly polar, at codon 674 of the NLRP12 protein (p.Gly674Trp). This variant is present in population databases (rs139937024, gnomAD 0.007%). This variant has not been reported in the literature in individuals affected with NLRP12-related conditions. ClinVar contains an entry for this variant (Variation ID: 642553). Invitae Evidence Modeling of protein sequence and biophysical properties (such as structural, functional, and spatial information, amino acid conservation, physicochemical variation, residue mobility, and thermodynamic stability) indicates that this missense variant is not expected to disrupt NLRP12 protein function with a negative predictive value of 80%. In summary, the available evidence is currently insufficient to determine the role of this variant in disease. Therefore, it has been classified as a Variant of Uncertain Significance.

Ambry Genetics
Classification: Uncertain significance for Inborn genetic diseases. Last evaluated: 2025-02-12. Review status: criteria provided, single submitter. Criteria: Ambry Variant Classification Scheme 2023. Collection method: clinical testing. Allele origin: germline.

NM_144687.4(NLRP12):c.2020G>T (p.Gly674Trp)

Gene: NLRP12 (NLR family pyrin domain containing 12; minus strand). Cytogenetic location: 19q13.42.
Variant type: single nucleotide variant.
Coding change: c.2020G>T on transcript NM_144687.4 (MANE Select); coding-DNA position 2020, G replaced by T.
Protein change: p.Gly674Trp; replaces glycine 674 with tryptophan.
Molecular consequence: missense variant.
Genome position (GRCh38, 1-based): chr19:53,809,639, C>A on the plus strand (G>T on the coding strand, the complement: NLRP12 is on the minus strand). VCF-style: chr19-53809639-C-A. GRCh37 (hg19) VCF-style: chr19-54312893-C-A.
Other names: c.2020G>T (NM_144687.2); c.2020G>T, p.Gly674Trp (NM_001277126.2, NM_001277129.1); short protein forms G674W.
Identifiers: ClinVar variation 642553 (VCV000642553.7), dbSNP rs139937024, ClinGen allele CA9639292.